The following is an entry in ClinVar:

ClinVar aggregate classification (germline): Uncertain significance (1 of 4 stars; one submission).

Conditions:
Catecholaminergic polymorphic ventricular tachycardia 1. Also called: VENTRICULAR TACHYCARDIA, CATECHOLAMINERGIC POLYMORPHIC, 1, WITH OR WITHOUT ATRIAL DYSFUNCTION AND/OR DILATED CARDIOMYOPATHY; RYR2-Related Catecholaminergic Polymorphic Ventricular Tachycardia; VENTRICULAR TACHYCARDIA, STRESS-INDUCED POLYMORPHIC 1. Identifiers: Orphanet 3286, MedGen C1631597, MONDO:0011484, OMIM 604772.

Submission:

Labcorp Genetics (formerly Invitae), Labcorp
Classification: Uncertain significance for Catecholaminergic polymorphic ventricular tachycardia 1. Last evaluated: 2022-09-22. Review status: criteria provided, single submitter. Criteria: Invitae Variant Classification Sherloc (09022015). Collection method: clinical testing. Allele origin: germline.
Comment: In summary, the available evidence is currently insufficient to determine the role of this variant in disease. Therefore, it has been classified as a Variant of Uncertain Significance. Advanced modeling of protein sequence and biophysical properties (such as structural, functional, and spatial information, amino acid conservation, physicochemical variation, residue mobility, and thermodynamic stability) performed at Invitae indicates that this missense variant is expected to disrupt RYR2 protein function. ClinVar contains an entry for this variant (Variation ID: 1478083). This variant has not been reported in the literature in individuals affected with RYR2-related conditions. This variant is not present in population databases (gnomAD no frequency). This sequence change replaces valine, which is neutral and non-polar, with leucine, which is neutral and non-polar, at codon 4783 of the RYR2 protein (p.Val4783Leu).

NM_001035.3(RYR2):c.14347G>T (p.Val4783Leu)

Gene: RYR2 (ryanodine receptor 2; plus strand). Cytogenetic location: 1q43.
Variant type: single nucleotide variant.
Coding change: c.14347G>T on transcript NM_001035.3 (MANE Select); coding-DNA position 14347, G replaced by T.
Protein change: p.Val4783Leu; replaces valine 4783 with leucine.
Molecular consequence: missense variant.
Genome position (GRCh38, 1-based): chr1:237,808,949, G>T. VCF-style: chr1-237808949-G-T. GRCh37 (hg19) VCF-style: chr1-237972249-G-T.
Other names: short protein forms V4783L.
Identifiers: ClinVar variation 1478083 (VCV001478083.7), dbSNP rs2149446503, ClinGen allele CA345424211.